The following is an entry in ClinVar:

ClinVar aggregate classification (germline): Likely benign. Review status: criteria provided, multiple submitters, no conflicts (2 of 4 stars). 2 submissions from 2 submitters: Likely benign (2). Last evaluated 2024-11-23.

Allele frequency attached by ClinVar (database versions not stated): gnomAD 0.00005; gnomAD exomes 0.00005 and 0.00006; ExAC 0.00006; TOPMed 0.00006.
gnomAD v4.1: 84 of 1,482,194 alleles (0.0057%); highest among the groups gnomAD compares: Middle Eastern, 0.017%; no homozygotes.

Submissions (2):

Labcorp Genetics (formerly Invitae), Labcorp
Classification: Likely benign. Last evaluated: 2024-11-23. Review status: criteria provided, single submitter. Criteria: Invitae Variant Classification Sherloc (09022015). Collection method: clinical testing. Allele origin: germline.

Laboratory for Molecular Medicine, Mass General Brigham Personalized Medicine
Classification: Likely benign. Last evaluated: 2017-11-22. Review status: criteria provided, single submitter. Criteria: LMM Criteria. Collection method: clinical testing. Allele origin: germline. Observed: 1 variant allele.
Comment: c.865+11G>A in intron 7 of HGF: This variant is not expected to have clinical si gnificance because it does not alter an amino acid residue and is not located wi thin the splice consensus sequence. It has been identified in 0.01% (15/126668) of European chromosomes by the Genome Aggregation Database (gnomAD; dbSNP rs761252474).

NM_000601.6(HGF):c.865+11G>A

Gene: HGF (hepatocyte growth factor; minus strand). Cytogenetic location: 7q21.11.
Variant type: single nucleotide variant.
Coding change: c.865+11G>A on transcript NM_000601.6 (MANE Select); 11 bases into the intron after coding-DNA position 865, G replaced by A.
Molecular consequence: intron variant.
Genome position (GRCh38, 1-based): chr7:81,743,342, C>T on the plus strand (G>A on the coding strand, the complement: HGF is on the minus strand). VCF-style: chr7-81743342-C-T. GRCh37 (hg19) VCF-style: chr7-81372658-C-T.
Other names: c.850+11G>A (NM_001010932.3, NM_001010933.3); c.865+11G>A (NM_001010931.3).
Identifiers: ClinVar variation 517565 (VCV000517565.11), dbSNP rs761252474, ClinGen allele CA4317098.